The following is an entry in ClinVar:

NM_003289.4(TPM2):c.220del (p.Ala74fs)

Gene: TPM2 (tropomyosin 2; minus strand). Cytogenetic location: 9p13.3.
Variant type: Deletion.
Coding change: c.220del on transcript NM_003289.4 (MANE Select); coding-DNA position 220, one base deleted (G; older notation c.220delG).
Protein change: p.Ala74fs; shifts the reading frame from alanine 74.
Molecular consequence: frameshift variant.
Genome position (GRCh38, 1-based): chr9:35,689,166, C deleted on the plus strand (G on the coding strand, the reverse complement: TPM2 is on the minus strand); the first of 2 consecutive C bases (chr9:35,689,166-35,689,167); deleting either gives the same sequence. VCF-style (leftmost placement, unchanged base first): chr9-35689165-GC-G. GRCh37 (hg19) VCF-style: chr9-35689162-GC-G.
Other names: c.220del, p.Ala74fs (NM_001301226.2, NM_001301227.2, NM_213674.1); c.219delG, p.Ala74Profs (NM_003289.3); short protein forms A74fs.
Identifiers: ClinVar variation 2434210 (VCV002434210.6), dbSNP rs2490700207, ClinGen allele CA2579333613.

ClinVar aggregate classification (germline): Pathogenic/Likely pathogenic. Review status: criteria provided, multiple submitters, no conflicts (2 of 4 stars). 2 submissions from 2 submitters: Pathogenic (1); Likely pathogenic (1). Last evaluated 2023-08-04.

Conditions:
Arthrogryposis, distal, type 1A. Also called: ARTHROGRYPOSIS MULTIPLEX CONGENITA, DISTAL, TYPE I. Identifiers: Orphanet 1146, MedGen C6022280, MONDO:0007157, OMIM 108120.

Submissions (2):

Labcorp Genetics (formerly Invitae), Labcorp
Classification: Pathogenic for Arthrogryposis, distal, type 1A. Last evaluated: 2023-08-04. Review status: criteria provided, single submitter. Criteria: Invitae Variant Classification Sherloc (09022015). Collection method: clinical testing. Allele origin: germline.
Comment: This variant has not been reported in the literature in individuals affected with TPM2-related conditions. This variant is not present in population databases (gnomAD no frequency). This sequence change creates a premature translational stop signal (p.Ala74Profs*15) in the TPM2 gene. It is expected to result in an absent or disrupted protein product. Loss-of-function variants in TPM2 are known to be pathogenic (PMID: 19155175, 27726070). ClinVar contains an entry for this variant (Variation ID: 2434210). For these reasons, this variant has been classified as Pathogenic.

Revvity Omics, Revvity
Classification: Likely pathogenic. Last evaluated: 2022-11-07. Review status: criteria provided, single submitter. Criteria: ACMG Guidelines, 2015. Collection method: clinical testing. Allele origin: germline.

Literature cited by the submitters: PubMed 19155175 (cited by Labcorp Genetics (formerly Invitae), Labcorp); PubMed 27726070 (cited by Labcorp Genetics (formerly Invitae), Labcorp).